The following is an entry in ClinVar:

NM_006206.6(PDGFRA):c.2069G>T (p.Arg690Met)

Gene: PDGFRA (platelet derived growth factor receptor alpha; plus strand). Cytogenetic location: 4q12.
Variant type: single nucleotide variant.
Coding change: c.2069G>T on transcript NM_006206.6 (MANE Select); coding-DNA position 2069, G replaced by T.
Protein change: p.Arg690Met; replaces arginine 690 with methionine.
Molecular consequence: missense variant.
Genome position (GRCh38, 1-based): chr4:54,278,428, G>T. VCF-style: chr4-54278428-G-T. GRCh37 (hg19) VCF-style: chr4-55144595-G-T.
Other names: c.2069G>T, p.Arg690Met (NM_001347827.2, NM_001347829.2); c.2144G>T, p.Arg715Met (NM_001347828.2); c.2108G>T, p.Arg703Met (NM_001347830.2); short protein forms R715M, R690M, R703M.
Identifiers: ClinVar variation 643860 (VCV000643860.22), dbSNP rs1344375373, ClinGen allele CA356893974.
Genomic context (GRCh38, chr4:54,278,428, plus strand): 5'-TTTACATCATCACAGAGTATTGCTTCTATGGAGATTTGGTCAACTATTTGCATAAGAATA[G>T]GGATAGCTTCCTGAGCCACCACCCAGAGAAGCCAAAGAAAGAGCTGGATATCTTTGGATT-3'
Protein context (NP_006197.1, residues 680-700): GDLVNYLHKN[Arg690Met]DSFLSHHPEK

ClinVar aggregate classification (germline): Uncertain significance. Review status: criteria provided, multiple submitters, no conflicts (2 of 4 stars). 4 submissions from 4 submitters: Uncertain significance (4). Last evaluated 2025-11-27.

Conditions:
Polyps, multiple and recurrent inflammatory fibroid, gastrointestinal. Identifiers: MedGen C5193005, MONDO:0008285, OMIM 175510.
Gastrointestinal stromal tumor. Also called: Gastrointestinal stromal tumor, somatic; Gastrointestinal stroma tumor. Identifiers: Orphanet 44890, MedGen C0238198, MeSH D046152, MONDO:0011719, OMIM 606764, HP:0100723.
Hereditary cancer-predisposing syndrome. Also called: Hereditary Cancer Syndrome; Tumor predisposition; Neoplastic Syndromes, Hereditary; Hereditary neoplastic syndrome. Identifiers: Orphanet 140162, MedGen C0027672, MeSH D009386, MONDO:0015356.

Allele frequency attached by ClinVar (database versions not stated): TOPMed 0.00001; gnomAD 0.00003.

Submissions (4):

Labcorp Genetics (formerly Invitae), Labcorp
Classification: Uncertain significance for Gastrointestinal stromal tumor. Last evaluated: 2025-11-27. Review status: criteria provided, single submitter. Criteria: Invitae Variant Classification Sherloc (09022015). Collection method: clinical testing. Allele origin: germline.
Comment: This sequence change replaces arginine, which is basic and polar, with methionine, which is neutral and non-polar, at codon 690 of the PDGFRA protein (p.Arg690Met). This variant is present in population databases (no rsID available, gnomAD 0.01%). This variant has not been reported in the literature in individuals affected with PDGFRA-related conditions. ClinVar contains an entry for this variant (Variation ID: 643860). Invitae Evidence Modeling of protein sequence and biophysical properties (such as structural, functional, and spatial information, amino acid conservation, physicochemical variation, residue mobility, and thermodynamic stability) has been performed for this missense variant. However, the output from this modeling did not meet the statistical confidence thresholds required to predict the impact of this variant on PDGFRA protein function. In summary, the available evidence is currently insufficient to determine the role of this variant in disease. Therefore, it has been classified as a Variant of Uncertain Significance.

Ambry Genetics
Classification: Uncertain significance for Hereditary cancer-predisposing syndrome. Last evaluated: 2024-08-19. Review status: criteria provided, single submitter. Criteria: Ambry Variant Classification Scheme 2023. Collection method: clinical testing. Allele origin: germline.
Comment: The p.R690M variant (also known as c.2069G>T), located in coding exon 14 of the PDGFRA gene, results from a G to T substitution at nucleotide position 2069. The arginine at codon 690 is replaced by methionine, an amino acid with similar properties. This amino acid position is conserved. In addition, this alteration is predicted to be deleterious by in silico analysis. Since supporting evidence is limited at this time, the clinical significance of this alteration remains unclear.

Baylor Genetics
Classification: Uncertain significance for Polyps, multiple and recurrent inflammatory fibroid, gastrointestinal. Last evaluated: 2024-01-17. Review status: criteria provided, single submitter. Criteria: ACMG Guidelines, 2015. Collection method: clinical testing. Allele origin: unknown.

GeneDx
Classification: Uncertain significance. Last evaluated: 2023-02-23. Review status: criteria provided, single submitter. Criteria: GeneDx Variant Classification Process June 2021. Collection method: clinical testing. Allele origin: germline. Affected: yes.
Comment: Not observed at significant frequency in large population cohorts (gnomAD); In silico analysis supports that this missense variant has a deleterious effect on protein structure/function; Has not been previously published as pathogenic or benign to our knowledge; This variant is associated with the following publications: (PMID: 34339108)